The following is an entry in ClinVar:

ClinVar aggregate classification (germline): Uncertain significance (1 of 4 stars; one submission).

Conditions:
Emery-Dreifuss muscular dystrophy 4, autosomal dominant (EDMD4). Also called: EMERY-DREIFUSS MUSCULAR DYSTROPHY 4 WITH VARIABLE FEATURES. Identifiers: Orphanet 261, MedGen C2751807, MONDO:0013071, OMIM 612998.
Autosomal recessive ataxia, Beauce type. Also called: SYNE1 Deficiency; Spinocerebellar ataxia, autosomal recessive 8; ATAXIA, RECESSIVE, OF BEAUCE; SYNE1-Related Autosomal Recessive Cerebellar Ataxia. Identifiers: Orphanet 88644, MedGen C1853116, MONDO:0012549, OMIM 610743.

Submission:

Labcorp Genetics (formerly Invitae), Labcorp
Classification: Uncertain significance for Emery-Dreifuss muscular dystrophy 4, autosomal dominant; Autosomal recessive ataxia, Beauce type. Last evaluated: 2022-06-26. Review status: criteria provided, single submitter. Criteria: Invitae Variant Classification Sherloc (09022015). Collection method: clinical testing. Allele origin: germline.
Comment: In summary, the available evidence is currently insufficient to determine the role of this variant in disease. Therefore, it has been classified as a Variant of Uncertain Significance. Algorithms developed to predict the effect of missense changes on protein structure and function (SIFT, PolyPhen-2, Align-GVGD) all suggest that this variant is likely to be disruptive. This variant has not been reported in the literature in individuals affected with SYNE1-related conditions. This variant is not present in population databases (gnomAD no frequency). This sequence change replaces leucine, which is neutral and non-polar, with serine, which is neutral and polar, at codon 4237 of the SYNE1 protein (p.Leu4237Ser).

NM_182961.4(SYNE1):c.12923T>C (p.Leu4308Ser)

Gene: SYNE1 (spectrin repeat containing nuclear envelope protein 1; minus strand). Cytogenetic location: 6q25.2.
Variant type: single nucleotide variant.
Coding change: c.12923T>C on transcript NM_182961.4 (MANE Select); coding-DNA position 12923, T replaced by C.
Protein change: p.Leu4308Ser; replaces leucine 4308 with serine.
Molecular consequence: missense variant.
Genome position (GRCh38, 1-based): chr6:152,331,762, A>G on the plus strand (T>C on the coding strand, the complement: SYNE1 is on the minus strand). VCF-style: chr6-152331762-A-G. GRCh37 (hg19) VCF-style: chr6-152652897-A-G.
Other names: c.12710T>C, p.Leu4237Ser (NM_033071.5); short protein forms L4237S, L4308S.
Identifiers: ClinVar variation 1979689 (VCV001979689.4), dbSNP rs2485340970, ClinGen allele CA366104796.